The following is an entry in ClinVar:

NM_002439.5(MSH3):c.2421G>C (p.Trp807Cys)

Gene: MSH3 (mutS homolog 3; plus strand). Cytogenetic location: 5q14.1.
Variant type: single nucleotide variant.
Coding change: c.2421G>C on transcript NM_002439.5 (MANE Select); coding-DNA position 2421, G replaced by C.
Protein change: p.Trp807Cys; replaces tryptophan 807 with cysteine.
Molecular consequence: missense variant.
Genome position (GRCh38, 1-based): chr5:80,778,822, G>C. VCF-style: chr5-80778822-G-C. GRCh37 (hg19) VCF-style: chr5-80074641-G-C.
Other names: short protein forms W807C.
Identifiers: ClinVar variation 1351370 (VCV001351370.8), dbSNP rs1744356274, ClinGen allele CA360281913.

ClinVar aggregate classification (germline): Uncertain significance (1 of 4 stars; one submission).

Submission:

Labcorp Genetics (formerly Invitae), Labcorp
Classification: Uncertain significance. Last evaluated: 2021-05-04. Review status: criteria provided, single submitter. Criteria: Invitae Variant Classification Sherloc (09022015). Collection method: clinical testing. Allele origin: germline.
Comment: In summary, the available evidence is currently insufficient to determine the role of this variant in disease. Therefore, it has been classified as a Variant of Uncertain Significance. This sequence change replaces tryptophan with cysteine at codon 807 of the MSH3 protein (p.Trp807Cys). The tryptophan residue is highly conserved and there is a large physicochemical difference between tryptophan and cysteine. This variant is not present in population databases (ExAC no frequency). This variant has not been reported in the literature in individuals with MSH3-related conditions. Algorithms developed to predict the effect of missense changes on protein structure and function are either unavailable or do not agree on the potential impact of this missense change (SIFT: "Deleterious"; PolyPhen-2: "Probably Damaging"; Align-GVGD: "Class C0").